The following is an entry in ClinVar:

ClinVar aggregate classification (germline): Uncertain significance (1 of 4 stars; one submission).

Allele frequency attached by ClinVar (database versions not stated): gnomAD 0.00001; TOPMed 0.00002.
gnomAD v4.1: 2 of 1,614,062 alleles (0.00012%); highest among the groups gnomAD compares: Non-Finnish European, 0.00017%; no homozygotes.

Submission:

Labcorp Genetics (formerly Invitae), Labcorp
Classification: Uncertain significance. Last evaluated: 2022-05-29. Review status: criteria provided, single submitter. Criteria: Invitae Variant Classification Sherloc (09022015). Collection method: clinical testing. Allele origin: germline.
Comment: This sequence change replaces asparagine, which is neutral and polar, with lysine, which is basic and polar, at codon 951 of the ATR protein (p.Asn951Lys). This variant is not present in population databases (gnomAD no frequency). This variant has not been reported in the literature in individuals affected with ATR-related conditions. ClinVar contains an entry for this variant (Variation ID: 965441). Algorithms developed to predict the effect of missense changes on protein structure and function (SIFT, PolyPhen-2, Align-GVGD) all suggest that this variant is likely to be tolerated. In summary, the available evidence is currently insufficient to determine the role of this variant in disease. Therefore, it has been classified as a Variant of Uncertain Significance.

NM_001184.4(ATR):c.2853T>A (p.Asn951Lys)

Gene: ATR (ATR serine/threonine kinase; minus strand). Cytogenetic location: 3q23.
Variant type: single nucleotide variant.
Coding change: c.2853T>A on transcript NM_001184.4 (MANE Select); coding-DNA position 2853, T replaced by A.
Protein change: p.Asn951Lys; replaces asparagine 951 with lysine.
Molecular consequence: missense variant.
Genome position (GRCh38, 1-based): chr3:142,550,255, A>T on the plus strand (T>A on the coding strand, the complement: ATR is on the minus strand). VCF-style: chr3-142550255-A-T. GRCh37 (hg19) VCF-style: chr3-142269097-A-T.
Other names: c.2661T>A, p.Asn887Lys (NM_001354579.2); short protein forms N887K, N951K.
Identifiers: ClinVar variation 965441 (VCV000965441.7), dbSNP rs1354779688, ClinGen allele CA354813207.